The following is an entry in ClinVar:

ClinVar aggregate classification (germline): Pathogenic. Review status: reviewed by expert panel (3 of 4 stars). 9 submissions from 9 submitters: Pathogenic (1). 8 of the submissions do not count toward it. Last evaluated 2016-09-08.

Conditions:
Fanconi anemia complementation group D1. Also called: BRCA2-Related Fanconi Anemia. Identifiers: Orphanet 319462, MedGen C1838457, MONDO:0011584, OMIM 605724.
Hereditary cancer-predisposing syndrome. Also called: Tumor predisposition; Hereditary neoplastic syndrome; Hereditary Cancer Syndrome; Neoplastic Syndromes, Hereditary. Identifiers: Orphanet 140162, MedGen C0027672, MeSH D009386, MONDO:0015356.
Breast-ovarian cancer, familial, susceptibility to, 2 (BROVCA2). Also called: BRCA2 Hereditary Breast and Ovarian Cancer. Identifiers: Orphanet 145, MedGen C2675520, MONDO:0012933, OMIM 612555. Disease mechanism: loss of function.
Hereditary breast ovarian cancer syndrome. Also called: Hereditary breast and/or ovarian cancer syndrome; Hereditary breast and ovarian cancer syndrome (HBOC); Hereditary breast and ovarian cancer; Hereditary breast and ovarian cancer syndrome; Breast and ovarian cancer; BRCA1- and BRCA2-Associated Hereditary Breast and Ovarian Cancer. Identifiers: Orphanet 145, MedGen C0677776, MeSH D061325, MONDO:0003582. Disease mechanism: loss of function.
Fanconi anemia (FA). Also called: Fanconi's anemia. Identifiers: Orphanet 84, MedGen C0015625, MeSH D005199, MONDO:0019391.
Familial cancer of breast. Also called: Hereditary breast cancer; BREAST CANCER, FAMILIAL; hereditary breast carcinoma. Identifiers: Orphanet 227535, MedGen C0346153, MONDO:0016419, OMIM 114480. Disease mechanism: loss of function.

Allele frequency attached by ClinVar (database versions not stated): gnomAD 0.00001; TOPMed 0.00001.
gnomAD v4.1: 5 of 1,613,558 alleles (0.00031%); highest among the groups gnomAD compares: Non-Finnish European, 0.00042%; no homozygotes.

Submissions (9):

Evidence-based Network for the Interpretation of Germline Mutant Alleles (ENIGMA)
Classification: Pathogenic for Breast-ovarian cancer, familial, susceptibility to, 2. Last evaluated: 2016-09-08. Review status: reviewed by expert panel. Criteria: ENIGMA BRCA1/2 Classification Criteria (2015). Collection method: curation. Allele origin: germline.
Comment: Variant allele predicted to encode a truncated non-functional protein.

Labcorp Genetics (formerly Invitae), Labcorp
Classification: Pathogenic for Hereditary breast ovarian cancer syndrome. Last evaluated: 2025-12-24. Review status: criteria provided, single submitter. Criteria: Invitae Variant Classification Sherloc (09022015). Collection method: clinical testing. Allele origin: germline. Not counted in ClinVar's aggregate classification.
Comment: This sequence change creates a premature translational stop signal (p.Glu1550*) in the BRCA2 gene. It is expected to result in an absent or disrupted protein product. Loss-of-function variants in BRCA2 are known to be pathogenic (PMID: 20104584). This variant is not present in population databases (gnomAD no frequency). This premature translational stop signal has been observed in individual(s) with Fanconi anemia (PMID: 14670928). ClinVar contains an entry for this variant (Variation ID: 9344). For these reasons, this variant has been classified as Pathogenic.

Ambry Genetics
Classification: Pathogenic for Hereditary cancer-predisposing syndrome. Last evaluated: 2025-10-09. Review status: criteria provided, single submitter. Criteria: Ambry Variant Classification Scheme 2023. Collection method: clinical testing. Allele origin: germline. Not counted in ClinVar's aggregate classification.
Comment: The p.E1550* pathogenic mutation (also known as c.4648G>T), located in coding exon 10 of the BRCA2 gene, results from a G to T substitution at nucleotide position 4648. This changes the amino acid from a glutamic acid to a stop codon within coding exon 10. Designated as 4876G>T, this mutation has been seen in trans with another BRCA2 alteration in a patient with Fanconi anemia (Hirsch B et al. Blood. 2004 Apr;103:2554-9). This mutation has also been reported in a worldwide study of BRCA1/2 mutation-positive families (Rebbeck TR et al. Hum. Mutat. 2018 05;39(5):593-620). This variant is considered to be rare based on population cohorts in the Genome Aggregation Database (gnomAD). This alteration is expected to result in loss of function by premature protein truncation or nonsense-mediated mRNA decay. As such, this alteration is interpreted as a disease-causing mutation.

Baylor Genetics
Classification: Pathogenic for Familial cancer of breast. Last evaluated: 2023-01-31. Review status: criteria provided, single submitter. Criteria: ACMG Guidelines, 2015. Collection method: clinical testing. Allele origin: unknown. Not counted in ClinVar's aggregate classification.

Color Diagnostics, LLC DBA Color Health
Classification: Pathogenic for Hereditary cancer-predisposing syndrome. Last evaluated: 2021-09-16. Review status: criteria provided, single submitter. Criteria: ACMG Guidelines, 2015. Collection method: clinical testing. Allele origin: germline. Not counted in ClinVar's aggregate classification.
Comment: This variant changes 1 nucleotide in exon 11 of the BRCA2 gene, creating a premature translation stop signal. This variant is expected to result in an absent or non-functional protein product. This variant has been observed in two siblings affected with Fanconi anemia in compound heterozygous state with a pathogenic p.L2510P variant (PMID: 14670928). This variant has not been identified in the general population by the Genome Aggregation Database (gnomAD). Loss of BRCA2 function is a known mechanism of disease. Based on the available evidence, this variant is classified as Pathogenic.

Women's Health and Genetics/Laboratory Corporation of America, LabCorp
Classification: Pathogenic for Fanconi anemia. Last evaluated: 2021-06-27. Review status: criteria provided, single submitter. Criteria: LabCorp Variant Classification Summary - May 2015. Collection method: clinical testing. Allele origin: germline. Not counted in ClinVar's aggregate classification.
Comment: Variant summary: BRCA2 c.4648G>T (p.Glu1550X) results in a premature termination codon, predicted to cause a truncation of the encoded protein or absence of the protein due to nonsense mediated decay, which are commonly known mechanisms for disease. Truncations downstream of this position have been classified as pathogenic by our laboratory. The variant was absent in 250612 control chromosomes. c.4648G>T has been reported in the literature in patients affected with Fanconi Anemia (example, Hirsch 2004 presumably cited by Rebbeck_2018) in compound heterozygosity with the variant c.7529T>C (p.Leu2510Pro). These data indicate that the variant may be associated with disease. This publication also reported experimental evidence evaluating an impact on protein function, demonstrating the absence of BRCA2 in cells derived from patients, together with a marked chromosome instability and hypersensitivity to cross-linking agents, consistent with the diagnosis of Fanconi Anemia. Three clinical diagnostic laboratories, one expert panel (ENIGMA) and one consortium (CIMBA) have submitted clinical-significance assessments for this variant to ClinVar after 2014 without evidence for independent evaluation. All submitters classified the variant as pathogenic. Based on the evidence outlined above, the variant was classified as pathogenic.

Consortium of Investigators of Modifiers of BRCA1/2 (CIMBA), c/o University of Cambridge
Classification: Pathogenic for Breast-ovarian cancer, familial, susceptibility to, 2. Last evaluated: 2015-10-02. Review status: criteria provided, single submitter. Criteria: CIMBA Mutation Classification guidelines May 2016. Collection method: clinical testing. Allele origin: germline. Not counted in ClinVar's aggregate classification.

OMIM
Classification: Pathogenic for FANCONI ANEMIA, COMPLEMENTATION GROUP D1. Last evaluated: 2004-04-01. Review status: no assertion criteria provided. Collection method: literature only. Allele origin: germline. Not counted in ClinVar's aggregate classification.

Breast Cancer Information Core (BIC) (BRCA2)
Classification: Pathogenic for Breast-ovarian cancer, familial 2. Last evaluated: 2004-02-20. Review status: no assertion criteria provided. Collection method: clinical testing. Allele origin: germline. Affected: yes. Observed: 2 variant alleles. Not counted in ClinVar's aggregate classification.

Literature cited by the submitters: PubMed 20104584 (cited by Labcorp Genetics (formerly Invitae), Labcorp); PubMed 14670928 (cited by 5 submitters); PubMed 29446198 (cited by Women's Health and Genetics/Laboratory Corporation of America, LabCorp).

NM_000059.4(BRCA2):c.4648G>T (p.Glu1550Ter)

Gene: BRCA2 (BRCA2 DNA repair associated; plus strand). Cytogenetic location: 13q13.1.
Variant type: single nucleotide variant.
Coding change: c.4648G>T on transcript NM_000059.4 (MANE Select); coding-DNA position 4648, G replaced by T.
Protein change: p.Glu1550Ter; replaces glutamic acid 1550 with a stop codon.
Molecular consequence: nonsense.
Genome position (GRCh38, 1-based): chr13:32,339,003, G>T. VCF-style: chr13-32339003-G-T. GRCh37 (hg19) VCF-style: chr13-32913140-G-T.
Other names: short protein forms E1550*.
Identifiers: ClinVar variation 9344 (VCV000009344.24), dbSNP rs80358695, ClinGen allele CA020587.